The following is an entry in ClinVar:

NM_020366.4(RPGRIP1):c.2224G>A (p.Gly742Arg)

Gene: RPGRIP1 (RPGR interacting protein 1; plus strand). Cytogenetic location: 14q11.2.
Variant type: single nucleotide variant.
Coding change: c.2224G>A on transcript NM_020366.4 (MANE Select); coding-DNA position 2224, G replaced by A.
Protein change: p.Gly742Arg; replaces glycine 742 with arginine.
Molecular consequence: missense variant. On other transcripts: intron variant (4).
Genome position (GRCh38, 1-based): chr14:21,325,240, G>A. VCF-style: chr14-21325240-G-A. GRCh37 (hg19) VCF-style: chr14-21793399-G-A.
Other names: c.1150G>A, p.Gly384Arg (NM_001377948.1); c.796+515G>A (NM_001377949.1); c.689-2383G>A (NM_001377523.1, NM_001377950.1); c.191-2383G>A (NM_001377951.1); short protein forms G384R, G742R.
Identifiers: ClinVar variation 2424647 (VCV002424647.6), dbSNP rs1214200780, ClinGen allele CA388868398.
Genomic context (GRCh38, chr14:21,325,240, plus strand): 5'-TCCTTGCCACACCATCTGTATTCCCCCTGCTTTCACACTTTCTGCTACCCAGGAGCTGGT[G>A]GAGAAGAGTTCGGGGTTCTAGAGTACTGGATGAGGCTGCGTTTCCCCATAAAACCCAGCC-3'
Protein context (NP_065099.3, residues 732-752): HGLATLIGAG[Gly742Arg]EEFGVLEYWM

ClinVar aggregate classification (germline): Uncertain significance (1 of 4 stars; one submission).

Conditions:
Cone-rod dystrophy 13 (CORD13). Identifiers: Orphanet 1872, MedGen C2750720, MONDO:0011987, OMIM 608194.
Leber congenital amaurosis 6 (LCA6). Identifiers: Orphanet 65, MedGen C1854260, MONDO:0013446, OMIM 613826.

Allele frequency attached by ClinVar (database versions not stated): TOPMed below 0.00001; gnomAD 0.00001.
gnomAD v4.1: 1 of 1,606,958 alleles (0.000062%); highest among the groups gnomAD compares: Admixed American, 0.0017%; no homozygotes.

Submission:

Labcorp Genetics (formerly Invitae), Labcorp
Classification: Uncertain significance for Leber congenital amaurosis 6; Cone-rod dystrophy 13. Last evaluated: 2021-12-06. Review status: criteria provided, single submitter. Criteria: Invitae Variant Classification Sherloc (09022015). Collection method: clinical testing. Allele origin: germline.
Comment: In summary, the available evidence is currently insufficient to determine the role of this variant in disease. Therefore, it has been classified as a Variant of Uncertain Significance. Algorithms developed to predict the effect of missense changes on protein structure and function (SIFT, PolyPhen-2, Align-GVGD) all suggest that this variant is likely to be disruptive. This variant has not been reported in the literature in individuals affected with RPGRIP1-related conditions. This variant is not present in population databases (gnomAD no frequency). This sequence change replaces glycine, which is neutral and non-polar, with arginine, which is basic and polar, at codon 742 of the RPGRIP1 protein (p.Gly742Arg).